The following is an entry in ClinVar:

NM_001204.7(BMPR2):c.2489T>C (p.Val830Ala)

Gene: BMPR2 (bone morphogenetic protein receptor type 2; plus strand). Cytogenetic location: 2q33.2.
Variant type: single nucleotide variant.
Coding change: c.2489T>C on transcript NM_001204.7 (MANE Select); coding-DNA position 2489, T replaced by C.
Protein change: p.Val830Ala; replaces valine 830 with alanine.
Molecular consequence: missense variant.
Genome position (GRCh38, 1-based): chr2:202,556,154, T>C. VCF-style: chr2-202556154-T-C. GRCh37 (hg19) VCF-style: chr2-203420877-T-C.
Other names: short protein forms V830A.
Identifiers: ClinVar variation 3481322 (VCV003481322.1).

ClinVar aggregate classification (germline): Uncertain significance (1 of 4 stars; one submission).

Conditions:
Inborn genetic diseases. Identifiers: MedGen C0950123, MeSH D030342.

gnomAD v4.1: 3 of 1,612,532 alleles (0.00019%); highest among the groups gnomAD compares: Non-Finnish European, 0.00025%; no homozygotes.

Submission:

Ambry Genetics
Classification: Uncertain significance for Inborn genetic diseases. Last evaluated: 2024-11-30. Review status: criteria provided, single submitter. Criteria: Ambry Variant Classification Scheme 2023. Collection method: clinical testing. Allele origin: germline.
Comment: The p.V830A variant (also known as c.2489T>C), located in coding exon 12 of the BMPR2 gene, results from a T to C substitution at nucleotide position 2489. The valine at codon 830 is replaced by alanine, an amino acid with similar properties. This amino acid position is conserved. In addition, this alteration is predicted to be tolerated by in silico analysis. Based on the available evidence, the clinical significance of this variant remains unclear.